The following is an entry in ClinVar:

NM_005557.4(KRT16):c.851G>A (p.Arg284His)

Gene: KRT16 (keratin 16; minus strand). Cytogenetic location: 17q21.2.
Variant type: single nucleotide variant.
Coding change: c.851G>A on transcript NM_005557.4 (MANE Select); coding-DNA position 851, G replaced by A.
Protein change: p.Arg284His; replaces arginine 284 with histidine.
Molecular consequence: missense variant.
Genome position (GRCh38, 1-based): chr17:41,611,151, C>T on the plus strand (G>A on the coding strand, the complement: KRT16 is on the minus strand). VCF-style: chr17-41611151-C-T. GRCh37 (hg19) VCF-style: chr17-39767403-C-T.
Other names: short protein forms R284H.
Identifiers: ClinVar variation 2981944 (VCV002981944.3), dbSNP rs146562738, ClinGen allele CA8563093.

ClinVar aggregate classification (germline): Uncertain significance (1 of 4 stars; one submission).

Allele frequency attached by ClinVar (database versions not stated): ExAC 0.00002; gnomAD 0.00003; TOPMed 0.00003; ESP Exome Variant Server 0.00015.
gnomAD v4.1: 8 of 1,613,872 alleles (0.0005%); highest among the groups gnomAD compares: African/African-American, 0.0067%; no homozygotes.

Submission:

Labcorp Genetics (formerly Invitae), Labcorp
Classification: Uncertain significance. Last evaluated: 2023-03-17. Review status: criteria provided, single submitter. Criteria: Invitae Variant Classification Sherloc (09022015). Collection method: clinical testing. Allele origin: germline.
Comment: Advanced modeling of protein sequence and biophysical properties (such as structural, functional, and spatial information, amino acid conservation, physicochemical variation, residue mobility, and thermodynamic stability) performed at Invitae indicates that this missense variant is not expected to disrupt KRT16 protein function. In summary, the available evidence is currently insufficient to determine the role of this variant in disease. Therefore, it has been classified as a Variant of Uncertain Significance. This variant has not been reported in the literature in individuals affected with KRT16-related conditions. This variant is present in population databases (rs146562738, gnomAD 0.01%). This sequence change replaces arginine, which is basic and polar, with histidine, which is basic and polar, at codon 284 of the KRT16 protein (p.Arg284His).